The following is an entry in ClinVar:

ClinVar aggregate classification (germline): Uncertain significance (1 of 4 stars; one submission).

Submission:

GeneDx
Classification: Uncertain significance. Last evaluated: 2025-06-02. Review status: criteria provided, single submitter. Criteria: GeneDx Variant Classification Process June 2021. Collection method: clinical testing. Allele origin: germline. Affected: yes.
Comment: Not observed at significant frequency in large population cohorts (gnomAD); In silico analysis supports that this missense variant has a deleterious effect on protein structure/function; Has not been previously published as pathogenic or benign to our knowledge

NM_001080517.3(SETD5):c.530A>G (p.Glu177Gly)

Gene: SETD5 (SET domain containing 5; plus strand). Cytogenetic location: 3p25.3.
Variant type: single nucleotide variant.
Coding change: c.530A>G on transcript NM_001080517.3 (MANE Select); coding-DNA position 530, A replaced by G.
Protein change: p.Glu177Gly; replaces glutamic acid 177 with glycine.
Molecular consequence: missense variant.
Genome position (GRCh38, 1-based): chr3:9,435,869, A>G. VCF-style: chr3-9435869-A-G. GRCh37 (hg19) VCF-style: chr3-9477553-A-G.
Other names: c.197A>G, p.Glu66Gly (NM_001292043.2, NM_001349451.2); c.587A>G, p.Glu196Gly (NM_001437633.1, NM_001437635.1); c.530A>G, p.Glu177Gly (NM_001437643.1, NM_001437701.1); short protein forms E177G, E196G, E66G.
Identifiers: ClinVar variation 4536243 (VCV004536243.1).